The following is an entry in ClinVar:

ClinVar aggregate classification (germline): Uncertain significance (1 of 4 stars; one submission).

Conditions:
WDR37-related disorder. Also called: WDR37-related condition.

Allele frequency attached by ClinVar (database versions not stated): ExAC 0.00001; gnomAD 0.00001; gnomAD exomes 0.00001; TOPMed 0.00002.
gnomAD v4.1: 17 of 1,613,954 alleles (0.0011%); highest among the groups gnomAD compares: East Asian, 0.0045%; no homozygotes.

Submission:

PreventionGenetics, part of Exact Sciences
Classification: Uncertain significance for WDR37-related condition. Last evaluated: 2022-09-23. Review status: criteria provided, single submitter. Criteria: ACMG Guidelines, 2015. Collection method: clinical testing. Allele origin: germline.
Comment: The WDR37 c.419C>T variant is predicted to result in the amino acid substitution p.Thr140Met. To our knowledge, this variant has not been reported in the literature. This variant is reported in 0.0062% of alleles in individuals of African descent in gnomAD. At this time, the clinical significance of this variant is uncertain due to the absence of conclusive functional and genetic evidence.

NM_014023.4(WDR37):c.419C>T (p.Thr140Met)

Gene: WDR37 (WD repeat domain 37; plus strand). Cytogenetic location: 10p15.3.
Variant type: single nucleotide variant.
Coding change: c.419C>T on transcript NM_014023.4 (MANE Select); coding-DNA position 419, C replaced by T.
Protein change: p.Thr140Met; replaces threonine 140 with methionine.
Molecular consequence: missense variant.
Genome position (GRCh38, 1-based): chr10:1,084,425, C>T. VCF-style: chr10-1084425-C-T. GRCh37 (hg19) VCF-style: chr10-1130365-C-T.
Other names: short protein forms T140M.
Identifiers: ClinVar variation 2629390 (VCV002629390.1), dbSNP rs757009863, ClinGen allele CA5383968.
Genomic context (GRCh38, chr10:1,084,425, plus strand): 5'-AGTAAATTGTTTCACAAGACTCCCCATCTTGGTTTCAGATTGTCTCCAGCTTTAAGACCA[C>T]GACATCGAGAGCTGCCTGCCAGCTCGTGAAGGAGTACATCGGCCACCGGGACGGCATCTG-3'
Protein context (NP_054742.2, residues 130-150): TSKIVSSFKT[Thr140Met]TSRAACQLVK